The following is an entry in ClinVar:

ClinVar aggregate classification (germline): Uncertain significance. Review status: criteria provided, multiple submitters, no conflicts (2 of 4 stars). 2 submissions from 2 submitters: Uncertain significance (2). Last evaluated 2026-01-24.

Conditions:
EAST syndrome (SESAMES). Also called: SEIZURES, SENSORINEURAL DEAFNESS, ATAXIA, IMPAIRED INTELLECTUAL DEVELOPMENT, AND ELECTROLYTE IMBALANCE. Identifiers: Orphanet 199343, MedGen C2748572, MONDO:0013005, OMIM 612780.

Allele frequency attached by ClinVar (database versions not stated): gnomAD exomes below 0.00001; TOPMed below 0.00001; ExAC 0.00001; gnomAD 0.00001.
gnomAD v4.1: 3 of 1,613,474 alleles (0.00019%); highest among the groups gnomAD compares: African/African-American, 0.0013%; no homozygotes.

Submissions (2):

GeneDx
Classification: Uncertain significance. Last evaluated: 2026-01-24. Review status: criteria provided, single submitter. Criteria: GeneDx Variant Classification Process June 2021. Collection method: clinical testing. Allele origin: germline.
Comment: Not observed at significant frequency in large population cohorts (gnomAD); In silico analysis supports that this missense variant has a deleterious effect on protein structure/function; Has not been previously published as pathogenic or benign to our knowledge

Labcorp Genetics (formerly Invitae), Labcorp
Classification: Uncertain significance for EAST syndrome. Last evaluated: 2025-03-19. Review status: criteria provided, single submitter. Criteria: Invitae Variant Classification Sherloc (09022015). Collection method: clinical testing. Allele origin: germline.
Comment: This sequence change replaces threonine, which is neutral and polar, with isoleucine, which is neutral and non-polar, at codon 58 of the KCNJ10 protein (p.Thr58Ile). This variant is present in population databases (rs768028468, gnomAD 0.007%). This variant has not been reported in the literature in individuals affected with KCNJ10-related conditions. ClinVar contains an entry for this variant (Variation ID: 2786315). Invitae Evidence Modeling of protein sequence and biophysical properties (such as structural, functional, and spatial information, amino acid conservation, physicochemical variation, residue mobility, and thermodynamic stability) has been performed for this missense variant. However, the output from this modeling did not meet the statistical confidence thresholds required to predict the impact of this variant on KCNJ10 protein function. In summary, the available evidence is currently insufficient to determine the role of this variant in disease. Therefore, it has been classified as a Variant of Uncertain Significance.

NM_002241.5(KCNJ10):c.173C>T (p.Thr58Ile)

Gene: KCNJ10 (potassium inwardly rectifying channel subfamily J member 10; minus strand). Cytogenetic location: 1q23.2.
Variant type: single nucleotide variant.
Coding change: c.173C>T on transcript NM_002241.5 (MANE Select); coding-DNA position 173, C replaced by T.
Protein change: p.Thr58Ile; replaces threonine 58 with isoleucine.
Molecular consequence: missense variant.
Genome position (GRCh38, 1-based): chr1:160,042,360, G>A on the plus strand (C>T on the coding strand, the complement: KCNJ10 is on the minus strand). VCF-style: chr1-160042360-G-A. GRCh37 (hg19) VCF-style: chr1-160012150-G-A.
Other names: c.173C>T (NM_002241.4); short protein forms T58I.
Identifiers: ClinVar variation 2786315 (VCV002786315.4), dbSNP rs768028468, ClinGen allele CA1193285.